The following is an entry in ClinVar:

ClinVar aggregate classification (germline): Uncertain significance (1 of 4 stars; one submission).

gnomAD v4.1: 1 of 1,614,012 alleles (0.000062%); highest among the groups gnomAD compares: Non-Finnish European, 0.000085%; no homozygotes.

Submission:

Ambry Genetics
Classification: Uncertain significance. Last evaluated: 2024-11-21. Review status: criteria provided, single submitter. Criteria: Ambry Variant Classification Scheme 2023. Collection method: clinical testing. Allele origin: germline.
Comment: The p.D264G variant (also known as c.791A>G), located in coding exon 6 of the RECQL gene, results from an A to G substitution at nucleotide position 791. The aspartic acid at codon 264 is replaced by glycine, an amino acid with similar properties. This amino acid position is conserved. In addition, this alteration is predicted to be deleterious by in silico analysis. Based on the available evidence, the clinical significance of this variant remains unclear.

NM_002907.4(RECQL):c.791A>G (p.Asp264Gly)

Gene: RECQL (RecQ like helicase; minus strand). Cytogenetic location: 12p12.1.
Variant type: single nucleotide variant.
Coding change: c.791A>G on transcript NM_002907.4 (MANE Select); coding-DNA position 791, A replaced by G.
Protein change: p.Asp264Gly; replaces aspartic acid 264 with glycine.
Molecular consequence: missense variant.
Genome position (GRCh38, 1-based): chr12:21,477,879, T>C on the plus strand (A>G on the coding strand, the complement: RECQL is on the minus strand). VCF-style: chr12-21477879-T-C. GRCh37 (hg19) VCF-style: chr12-21630813-T-C.
Other names: c.791A>G, p.Asp264Gly (NM_032941.3); short protein forms D264G.
Identifiers: ClinVar variation 3431829 (VCV003431829.1).